The following is an entry in ClinVar:

NM_000256.3(MYBPC3):c.2215G>C (p.Glu739Gln)

Gene: MYBPC3 (myosin binding protein C3; minus strand). Cytogenetic location: 11p11.2.
Variant type: single nucleotide variant.
Coding change: c.2215G>C on transcript NM_000256.3 (MANE Select); coding-DNA position 2215, G replaced by C.
Protein change: p.Glu739Gln; replaces glutamic acid 739 with glutamine.
Molecular consequence: missense variant.
Genome position (GRCh38, 1-based): chr11:47,338,613, C>G on the plus strand (G>C on the coding strand, the complement: MYBPC3 is on the minus strand). VCF-style: chr11-47338613-C-G. GRCh37 (hg19) VCF-style: chr11-47360164-C-G.
Other names: short protein forms E739Q.
Identifiers: ClinVar variation 3071767 (VCV003071767.1), dbSNP rs1565625856, ClinGen allele CA380320407.

ClinVar aggregate classification (germline): Uncertain significance (1 of 4 stars; one submission).

Conditions:
Hypertrophic cardiomyopathy. Also called: HYPERTROPHIC MYOCARDIOPATHY. Identifiers: Orphanet 217569, MedGen C0007194, MeSH D002312, MONDO:0005045, HP:0001639.

gnomAD v4.1: 1 of 1,613,968 alleles (0.000062%); highest among the groups gnomAD compares: Non-Finnish European, 0.000085%; no homozygotes.

Submission:

All of Us Research Program, National Institutes of Health
Classification: Uncertain significance for Hypertrophic cardiomyopathy. Last evaluated: 2023-06-28. Review status: criteria provided, single submitter. Criteria: ACMG Guidelines, 2015. Collection method: clinical testing. Allele origin: germline. Inheritance: Autosomal dominant inheritance. Observed: 1 variant allele, 1 heterozygote.
Comment: This study involves interpretation of variants in research participants for the purpose of population health screening. Participant phenotype was not available at the time of variant classification. Additional details can be found in publication PMID: 35346344, PMCID: PMC8962531